The following is an entry in ClinVar:

ClinVar aggregate classification (germline): Likely benign (1 of 4 stars; one submission).

Allele frequency attached by ClinVar (database versions not stated): gnomAD exomes 0.00001.

Submission:

GeneDx
Classification: Likely benign. Last evaluated: 2016-01-19. Review status: criteria provided, single submitter. Criteria: GeneDx Variant Classification (06012015). Collection method: clinical testing. Allele origin: germline. Affected: yes.
Comment: This variant is considered likely benign or benign based on one or more of the following criteria: it is a conservative change, it occurs at a poorly conserved position in the protein, it is predicted to be benign by multiple in silico algorithms, and/or has population frequency not consistent with disease.

NM_005765.3(ATP6AP2):c.-36C>T

Gene: ATP6AP2 (ATPase H+ transporting accessory protein 2; plus strand). Cytogenetic location: Xp11.4.
Variant type: single nucleotide variant.
Coding change: c.-36C>T on transcript NM_005765.3 (MANE Select); 36 bases upstream of the start codon, C replaced by T.
Molecular consequence: 5 prime UTR variant.
Genome position (GRCh38, 1-based): chrX:40,581,030, C>T. VCF-style: chrX-40581030-C-T. GRCh37 (hg19) VCF-style: chrX-40440282-C-T.
Identifiers: ClinVar variation 382919 (VCV000382919.1), dbSNP rs1057521485, ClinGen allele CA16609184.